The following is an entry in ClinVar:

ClinVar aggregate classification (germline): Likely benign (0 of 4 stars; one submission).

Conditions:
UFSP2-related disorder. Also called: UFSP2-related condition.

Allele frequency attached by ClinVar (database versions not stated): TOPMed below 0.00001; gnomAD 0.00003; gnomAD exomes 0.00005.
gnomAD v4.1: 76 of 1,597,930 alleles (0.0048%); highest among the groups gnomAD compares: South Asian, 0.085%; no homozygotes.

Submission:

PreventionGenetics, part of Exact Sciences
Classification: Likely benign for UFSP2-related condition. Last evaluated: 2019-02-23. Review status: no assertion criteria provided. Collection method: clinical testing. Allele origin: germline.
Comment: This variant is classified as likely benign based on ACMG/AMP sequence variant interpretation guidelines (Richards et al. 2015 PMID: 25741868, with internal and published modifications).

NM_018359.5(UFSP2):c.688T>C (p.Leu230=)

Genes: CFAP96 (cilia and flagella associated protein 96; plus strand), UFSP2 (UFM1 specific peptidase 2; minus strand). Cytogenetic location: 4q35.1.
Variant type: single nucleotide variant.
Coding change: c.688T>C on transcript NM_018359.5 (MANE Select); coding-DNA position 688, T replaced by C.
Protein change: p.Leu230=; no amino-acid change (leucine 230 retained).
Molecular consequence: synonymous variant. On other transcripts: non-coding transcript variant (2).
Genome position (GRCh38, 1-based): chr4:185,413,869, A>G on the plus strand (T>C on the coding strand, the complement: UFSP2 is on the minus strand). VCF-style: chr4-185413869-A-G. GRCh37 (hg19) VCF-style: chr4-186335023-A-G.
Identifiers: ClinVar variation 3058506 (VCV003058506.2), dbSNP rs764248250, ClinGen allele CA3158524.